The following is an entry in ClinVar:

NM_024537.4(CARS2):c.571+11T>C

Gene: CARS2 (cysteinyl-tRNA synthetase 2, mitochondrial; minus strand). Cytogenetic location: 13q34.
Variant type: single nucleotide variant.
Coding change: c.571+11T>C on transcript NM_024537.4 (MANE Select); 11 bases into the intron after coding-DNA position 571, T replaced by C.
Molecular consequence: intron variant.
Genome position (GRCh38, 1-based): chr13:110,687,710, A>G on the plus strand (T>C on the coding strand, the complement: CARS2 is on the minus strand). VCF-style: chr13-110687710-A-G. GRCh37 (hg19) VCF-style: chr13-111340057-A-G.
Other names: c.-429+11T>C (NM_001352252.2); c.571+11T>C (NM_001352253.3).
Identifiers: ClinVar variation 512568 (VCV000512568.9), dbSNP rs373960867, ClinGen allele CA7052198.
Genomic context (GRCh38, chr13:110,687,710, plus strand): 5'-GCCTGGGTGACAGAGTAAAACTCTGTCTCAAAAAAAAAAAAAGAAAAAAAAAAAAAGAAC[A>G]TAAACCCTACCTTTTGCCGTTGAATAAGCGTTCCCACGAGCAATGATTCCTTCAATGAAA-3'

ClinVar aggregate classification (germline): Likely benign. Review status: criteria provided, multiple submitters, no conflicts (2 of 4 stars). 2 submissions from 2 submitters: Likely benign (2). Last evaluated 2025-10-24.

Conditions:
Combined oxidative phosphorylation defect type 27. Also called: Combined oxidative phosphorylation deficiency 27. Identifiers: Orphanet 477774, MedGen C5567608, MONDO:0014728, OMIM 616672.

Allele frequency attached by ClinVar (database versions not stated): gnomAD exomes 0.00014 and 0.00003; 1000 Genomes Project 0.00020; ESP Exome Variant Server 0.00023; gnomAD 0.00028 and 0.00031; TOPMed 0.00044; 1000 Genomes Project 30x 0.00047; ExAC 0.00012.
gnomAD v4.1: 88 of 1,530,530 alleles (0.0057%); highest among the groups gnomAD compares: African/African-American, 0.11%; no homozygotes.

Submissions (2):

Labcorp Genetics (formerly Invitae), Labcorp
Classification: Likely benign for Combined oxidative phosphorylation defect type 27. Last evaluated: 2025-10-24. Review status: criteria provided, single submitter. Criteria: Invitae Variant Classification Sherloc (09022015). Collection method: clinical testing. Allele origin: germline.

GeneDx
Classification: Likely benign. Last evaluated: 2017-10-24. Review status: criteria provided, single submitter. Criteria: GeneDx Variant Classification (06012015). Collection method: clinical testing. Allele origin: germline. Affected: yes.
Comment: This variant is considered likely benign or benign based on one or more of the following criteria: it is a conservative change, it occurs at a poorly conserved position in the protein, it is predicted to be benign by multiple in silico algorithms, and/or has population frequency not consistent with disease.